The following is an entry in ClinVar:

NM_001206999.2(CIT):c.2763A>G (p.Leu921=)

Gene: CIT (citron rho-interacting serine/threonine kinase; minus strand). Cytogenetic location: 12q24.23.
Variant type: single nucleotide variant.
Coding change: c.2763A>G on transcript NM_001206999.2 (MANE Select); coding-DNA position 2763, A replaced by G.
Protein change: p.Leu921=; no amino-acid change (leucine 921 retained).
Molecular consequence: synonymous variant.
Genome position (GRCh38, 1-based): chr12:119,752,191, T>C on the plus strand (A>G on the coding strand, the complement: CIT is on the minus strand). VCF-style: chr12-119752191-T-C. GRCh37 (hg19) VCF-style: chr12-120189996-T-C.
Other names: c.2637A>G, p.Leu879= (NM_007174.3).
Identifiers: ClinVar variation 725956 (VCV000725956.33), dbSNP rs151306013, ClinGen allele CA6821687.

ClinVar aggregate classification (germline): Likely benign. Review status: criteria provided, multiple submitters, no conflicts (2 of 4 stars). 3 submissions from 3 submitters: Likely benign (3). Last evaluated 2026-08-01.

Allele frequency attached by ClinVar (database versions not stated): gnomAD 0.00021; ExAC 0.00023; gnomAD exomes 0.00023 and 0.00035; TOPMed 0.00030; ESP Exome Variant Server 0.00054.
gnomAD v4.1: 551 of 1,611,662 alleles (0.034%); highest among the groups gnomAD compares: Non-Finnish European, 0.043%; no homozygotes.

Submissions (3):

CeGaT Center for Human Genetics Tuebingen
Classification: Likely benign. Last evaluated: 2026-08-01. Review status: criteria provided, single submitter. Criteria: CeGaT Center For Human Genetics Tuebingen Variant Classification Criteria Version 2. Collection method: clinical testing. Allele origin: germline. Affected: yes. Observed: 4 variant alleles.
Comment: CIT: BP4, BP7

Labcorp Genetics (formerly Invitae), Labcorp
Classification: Likely benign. Last evaluated: 2025-03-17. Review status: criteria provided, single submitter. Criteria: Invitae Variant Classification Sherloc (09022015). Collection method: clinical testing. Allele origin: germline.

GeneDx
Classification: Likely benign. Last evaluated: 2020-01-20. Review status: criteria provided, single submitter. Criteria: GeneDx Variant Classification Process June 2021. Collection method: clinical testing. Allele origin: germline. Affected: yes.